The following is an entry in ClinVar:

ClinVar aggregate classification (germline): Conflicting classifications of pathogenicity. Review status: criteria provided, conflicting classifications (1 of 4 stars). 3 submissions from 3 submitters: Pathogenic (1); Uncertain significance (2). Last evaluated 2025-03-03.

Conditions:
Cardiomyopathy (CMYO). Also called: Cardiomyopathies. Identifiers: Orphanet 167848, MedGen C0878544, MONDO:0004994, HP:0001638. Inheritance: Various modes of inheritance.
Arrhythmogenic right ventricular dysplasia 9 (ARVD9). Also called: Arrhythmogenic Right Ventricular Dysplasia/Cardiomyopathy 9; ARRHYTHMOGENIC RIGHT VENTRICULAR DYSPLASIA, FAMILIAL, 9. Identifiers: MedGen C1836906, MONDO:0012180, OMIM 609040.

Submissions (3):

GeneDx
Classification: Uncertain significance. Last evaluated: 2025-03-03. Review status: criteria provided, single submitter. Criteria: GeneDx Variant Classification Process June 2021. Collection method: clinical testing. Allele origin: germline. Affected: yes.
Comment: Not observed at significant frequency in large population cohorts (gnomAD); Located in exon 6, which is reported as being expressed in a brain-specific transcript (PMID: 21378009); Has not been previously published as pathogenic or benign to our knowledge; This variant is associated with the following publications: (PMID: 21378009, 23911551, 15489853)

Color Diagnostics, LLC DBA Color Health
Classification: Uncertain significance for Cardiomyopathy. Last evaluated: 2024-08-27. Review status: criteria provided, single submitter. Criteria: ACMG Guidelines, 2015. Collection method: clinical testing. Allele origin: germline.
Comment: This variant inserts 2 nucleotides in exon 6 of the PKP2b transcript (ENST00000070846 | NM_004572), creating a frameshift and premature translation stop signal. This exon 6 is alternately spliced out and is absent in the PKP2a transcript, the predominant isoform in the heart (ENST00000340811 | NM_001005242). Therefore, it is likely that a functional PKP2 gene product is expressed in the heart, despite the presence of this variant. To our knowledge, transcriptional studies have not been reported for this variant, and the functional impact of this variant is unknown. This variant has not been reported in individuals affected with PKP2-related disorders in the literature. This variant has not been identified in the general population by the Genome Aggregation Database (gnomAD). The available evidence is insufficient to determine the role of this variant in disease conclusively. Therefore, this variant is classified as a Variant of Uncertain Significance.

Labcorp Genetics (formerly Invitae), Labcorp
Classification: Pathogenic for Arrhythmogenic right ventricular dysplasia 9. Last evaluated: 2023-06-20. Review status: criteria provided, single submitter. Criteria: Invitae Variant Classification Sherloc (09022015). Collection method: clinical testing. Allele origin: germline.
Comment: For these reasons, this variant has been classified as Pathogenic. This sequence change creates a premature translational stop signal (p.Pro472Glyfs*49) in the PKP2 gene. It is expected to result in an absent or disrupted protein product. Loss-of-function variants in PKP2 are known to be pathogenic (PMID: 15489853, 23911551). This variant is not present in population databases (gnomAD no frequency). This variant has not been reported in the literature in individuals affected with PKP2-related conditions.

Literature cited by the submitters: PubMed 15489853 (cited by Labcorp Genetics (formerly Invitae), Labcorp); PubMed 23911551 (cited by Labcorp Genetics (formerly Invitae), Labcorp).

NM_001005242.3(PKP2):c.1379-2075_1379-2074dup

Gene: PKP2 (plakophilin 2; minus strand). Cytogenetic location: 12p11.21.
Variant type: Duplication.
Coding change: c.1379-2075_1379-2074dup on transcript NM_001005242.3 (MANE Select); 2075 bases into the intron before coding-DNA position 1379 through 2074 bases into the intron before coding-DNA position 1379, 2 bases duplicated (GG; older notation c.1379-2075_1379-2074dupGG).
Molecular consequence: intron variant. On other transcripts: frameshift variant (2).
Genome position (GRCh38, 1-based): chr12:32,843,279-32,843,280, CC duplicated on the plus strand (GG on the coding strand, the reverse complement: PKP2 is on the minus strand). VCF-style (leftmost placement, unchanged base first): chr12-32843278-G-GCC. GRCh37 (hg19) VCF-style: chr12-32996212-G-GCC.
Other names: c.1379-2075_1379-2074dup (NM_001407161.1, NM_001407156.1, NM_001407155.1); c.1052-2075_1052-2074dup (NM_001407162.1, NM_001407160.1, NM_001407159.1 and 1 more transcripts); c.1412_1413dup, p.Pro472fs (NM_001407157.1, NM_004572.4); short protein forms P472fs.
Identifiers: ClinVar variation 2717044 (VCV002717044.5), dbSNP rs2541270502, ClinGen allele CA2618232001.